The following is an entry in ClinVar:

NM_001321739.2(M1AP):c.550G>C (p.Glu184Gln)

Gene: M1AP (meiosis 1 associated protein; minus strand). Cytogenetic location: 2p13.1.
Variant type: single nucleotide variant.
Coding change: c.550G>C on transcript NM_001321739.2 (MANE Select); coding-DNA position 550, G replaced by C.
Protein change: p.Glu184Gln; replaces glutamic acid 184 with glutamine.
Molecular consequence: missense variant.
Genome position (GRCh38, 1-based): chr2:74,607,100, C>G on the plus strand (G>C on the coding strand, the complement: M1AP is on the minus strand). VCF-style: chr2-74607100-C-G. GRCh37 (hg19) VCF-style: chr2-74834227-C-G.
Other names: c.550G>C, p.Glu184Gln (NM_001281295.2, NM_001281296.2, NM_138804.5); short protein forms E184Q.
Identifiers: ClinVar variation 4990289 (VCV004990289.1).

ClinVar aggregate classification (germline): Likely benign (1 of 4 stars; one submission).

Conditions:
M1AP-related condition.

gnomAD v4.1: 523 of 1,614,078 alleles (0.032%); highest among the groups gnomAD compares: South Asian, 0.34%; 3 homozygotes.

Submission:

PreventionGenetics, part of Exact Sciences
Classification: Likely benign for M1AP-related condition. Last evaluated: 2024-12-11. Review status: criteria provided, single submitter. Criteria: ACMG Guidelines, 2015. Collection method: clinical testing. Allele origin: germline.
Comment: This variant is classified as likely benign based on ACMG/AMP sequence variant interpretation guidelines (Richards et al. 2015 PMID: 25741868, with internal and published modifications).